The following is an entry in ClinVar:

NM_000310.4(PPT1):c.511G>C (p.Ala171Pro)

Gene: PPT1 (palmitoyl-protein thioesterase 1; minus strand). Cytogenetic location: 1p34.2.
Variant type: single nucleotide variant.
Coding change: c.511G>C on transcript NM_000310.4 (MANE Select); coding-DNA position 511, G replaced by C.
Protein change: p.Ala171Pro; replaces alanine 171 with proline.
Molecular consequence: missense variant.
Genome position (GRCh38, 1-based): chr1:40,089,435, C>G on the plus strand (G>C on the coding strand, the complement: PPT1 is on the minus strand). VCF-style: chr1-40089435-C-G. GRCh37 (hg19) VCF-style: chr1-40555107-C-G.
Other names: c.202G>C, p.Ala68Pro (NM_001142604.2); c.511G>C, p.Ala171Pro (NM_001363695.2); short protein forms A68P, A171P.
Identifiers: ClinVar variation 2172947 (VCV002172947.4), dbSNP rs1316121464, ClinGen allele CA339848570.

ClinVar aggregate classification (germline): Uncertain significance (1 of 4 stars; one submission).

Conditions:
Neuronal ceroid lipofuscinosis 1 (CLN1). Also called: CEROID LIPOFUSCINOSIS, NEURONAL, 1, VARIABLE AGE AT ONSET; PPT1-Related Neuronal Ceroid-Lipofuscinosis. Identifiers: Orphanet 228329, MedGen C1850451, MONDO:0009744, OMIM 256730.

Submission:

Labcorp Genetics (formerly Invitae), Labcorp
Classification: Uncertain significance for Neuronal ceroid lipofuscinosis 1. Last evaluated: 2022-10-21. Review status: criteria provided, single submitter. Criteria: Invitae Variant Classification Sherloc (09022015). Collection method: clinical testing. Allele origin: germline.
Comment: This sequence change replaces alanine, which is neutral and non-polar, with proline, which is neutral and non-polar, at codon 171 of the PPT1 protein (p.Ala171Pro). In summary, the available evidence is currently insufficient to determine the role of this variant in disease. Therefore, it has been classified as a Variant of Uncertain Significance. Advanced modeling of protein sequence and biophysical properties (such as structural, functional, and spatial information, amino acid conservation, physicochemical variation, residue mobility, and thermodynamic stability) performed at Invitae indicates that this missense variant is expected to disrupt PPT1 protein function. This variant has not been reported in the literature in individuals affected with PPT1-related conditions. This variant is not present in population databases (gnomAD no frequency).